The following is an entry in ClinVar:

NM_002317.7(LOX):c.724G>A (p.Glu242Lys)

Genes: LOX (lysyl oxidase; minus strand), SRFBP1 (serum response factor binding protein 1; plus strand). Cytogenetic location: 5q23.1.
Variant type: single nucleotide variant.
Coding change: c.724G>A on transcript NM_002317.7 (MANE Select); coding-DNA position 724, G replaced by A.
Protein change: p.Glu242Lys; replaces glutamic acid 242 with lysine.
Molecular consequence: missense variant. On other transcripts: intron variant (1).
Genome position (GRCh38, 1-based): chr5:122,076,909, C>T on the plus strand (G>A on the coding strand, the complement: LOX is on the minus strand). VCF-style: chr5-122076909-C-T. GRCh37 (hg19) VCF-style: chr5-121412604-C-T.
Other names: c.34G>A, p.Glu12Lys (NM_001178102.2); c.-152+183G>A (NM_001317073.1); short protein forms E242K, E12K.
Identifiers: ClinVar variation 4098961 (VCV004098961.1).

ClinVar aggregate classification (germline): Uncertain significance (1 of 4 stars; one submission).

Conditions:
Cardiovascular phenotype. Identifiers: MedGen CN230736.

Submission:

Ambry Genetics
Classification: Uncertain significance for Cardiovascular phenotype. Last evaluated: 2025-06-22. Review status: criteria provided, single submitter. Criteria: Ambry Variant Classification Scheme 2023. Collection method: clinical testing. Allele origin: germline.
Comment: The p.E242K variant (also known as c.724G>A), located in coding exon 2 of the LOX gene, results from a G to A substitution at nucleotide position 724. The glutamic acid at codon 242 is replaced by lysine, an amino acid with similar properties. This amino acid position is conserved. In addition, this alteration is predicted to be deleterious by in silico analysis. Based on the available evidence, the clinical significance of this variant remains unclear.